The following is an entry in ClinVar:

NM_000135.4(FANCA):c.117G>C (p.Arg39Ser)

Gene: FANCA (FA complementation group A; minus strand). Cytogenetic location: 16q24.3.
Variant type: single nucleotide variant.
Coding change: c.117G>C on transcript NM_000135.4 (MANE Select); coding-DNA position 117, G replaced by C.
Protein change: p.Arg39Ser; replaces arginine 39 with serine.
Molecular consequence: missense variant.
Genome position (GRCh38, 1-based): chr16:89,815,949, C>G on the plus strand (G>C on the coding strand, the complement: FANCA is on the minus strand). VCF-style: chr16-89815949-C-G. GRCh37 (hg19) VCF-style: chr16-89882357-C-G.
Other names: c.117G>C, p.Arg39Ser (NM_001018112.3, NM_001286167.3, NM_001351830.2); short protein forms R39S.
Identifiers: ClinVar variation 4619209 (VCV004619209.1).

ClinVar aggregate classification (germline): Uncertain significance (1 of 4 stars; one submission).

Conditions:
Inborn genetic diseases. Identifiers: MedGen C0950123, MeSH D030342.

Submission:

Ambry Genetics
Classification: Uncertain significance for Inborn genetic diseases. Last evaluated: 2025-10-17. Review status: criteria provided, single submitter. Criteria: Ambry Variant Classification Scheme 2023. Collection method: clinical testing. Allele origin: germline.
Comment: The p.R39S variant (also known as c.117G>C), located in coding exon 2 of the FANCA gene, results from a G to C substitution at nucleotide position 117. The arginine at codon 39 is replaced by serine, an amino acid with dissimilar properties. This amino acid position is conserved. In addition, this alteration is predicted to be tolerated by in silico analysis. Based on the available evidence, the clinical significance of this variant remains unclear.